The following is an entry in ClinVar:

NM_004706.4(ARHGEF1):c.2113C>T (p.Arg705Trp)

Gene: ARHGEF1 (Rho guanine nucleotide exchange factor 1; plus strand). Cytogenetic location: 19q13.2.
Variant type: single nucleotide variant.
Coding change: c.2113C>T on transcript NM_004706.4 (MANE Select); coding-DNA position 2113, C replaced by T.
Protein change: p.Arg705Trp; replaces arginine 705 with tryptophan.
Molecular consequence: missense variant. On other transcripts: non-coding transcript variant (2).
Genome position (GRCh38, 1-based): chr19:41,904,335, C>T. VCF-style: chr19-41904335-C-T. GRCh37 (hg19) VCF-style: chr19-42408487-C-T.
Other names: c.2281C>T, p.Arg761Trp (NM_001396000.1); c.2014C>T, p.Arg672Trp (NM_001396002.1, NM_001396004.1, NM_198977.2); c.2113C>T, p.Arg705Trp (NM_001396003.1, NM_001396006.1); c.2158C>T, p.Arg720Trp (NM_199002.2); short protein forms R761W, R705W, R672W, R720W.
Identifiers: ClinVar variation 4772060 (VCV004772060.1).

ClinVar aggregate classification (germline): Uncertain significance (1 of 4 stars; one submission).

gnomAD v4.1: 4 of 1,603,030 alleles (0.00025%); highest among the groups gnomAD compares: Non-Finnish European, 0.00034%; no homozygotes.

Submission:

Labcorp Genetics (formerly Invitae), Labcorp
Classification: Uncertain significance. Last evaluated: 2025-03-12. Review status: criteria provided, single submitter. Criteria: Invitae Variant Classification Sherloc (09022015). Collection method: clinical testing. Allele origin: germline.
Comment: This sequence change replaces arginine, which is basic and polar, with tryptophan, which is neutral and slightly polar, at codon 720 of the ARHGEF1 protein (p.Arg720Trp). The frequency data for this variant in the population databases is considered unreliable, as metrics indicate poor data quality at this position in the gnomAD database. This variant has not been reported in the literature in individuals affected with ARHGEF1-related conditions. An algorithm developed to predict the effect of missense changes on protein structure and function (PolyPhen-2) suggests that this variant is likely to be disruptive. In summary, the available evidence is currently insufficient to determine the role of this variant in disease. Therefore, it has been classified as a Variant of Uncertain Significance.